The following is an entry in ClinVar:

ClinVar aggregate classification (germline): Pathogenic (1 of 4 stars; one submission).

Conditions:
Short-rib thoracic dysplasia 11 with or without polydactyly (SRTD11). Also called: SHORT-RIB THORACIC DYSPLASIA 11 WITHOUT POLYDACTYLY. Identifiers: Orphanet 474, Orphanet 93271, MedGen C3810200, MONDO:0014287, OMIM 615633.

Submission:

Labcorp Genetics (formerly Invitae), Labcorp
Classification: Pathogenic for Short-rib thoracic dysplasia 11 with or without polydactyly. Last evaluated: 2023-05-29. Review status: criteria provided, single submitter. Criteria: Invitae Variant Classification Sherloc (09022015). Collection method: clinical testing. Allele origin: germline.
Comment: For these reasons, this variant has been classified as Pathogenic. This variant has not been reported in the literature in individuals affected with WDR34-related conditions. This variant is present in population databases (rs770506724, gnomAD 0.0009%). This sequence change creates a premature translational stop signal (p.Gln86Argfs*38) in the WDR34 gene. It is expected to result in an absent or disrupted protein product. Loss-of-function variants in WDR34 are known to be pathogenic (PMID: 24183449, 24183451, 28379358).

Literature cited by the submitters: PubMed 24183449; PubMed 24183451; PubMed 28379358.

NM_052844.4(DYNC2I2):c.256del (p.Gln86fs)

Gene: DYNC2I2 (dynein 2 intermediate chain 2; minus strand). Cytogenetic location: 9q34.11.
Variant type: Deletion.
Coding change: c.256del on transcript NM_052844.4 (MANE Select); coding-DNA position 256, one base deleted (C; older notation c.256delC).
Protein change: p.Gln86fs; shifts the reading frame from glutamine 86.
Molecular consequence: frameshift variant.
Genome position (GRCh38, 1-based): chr9:128,640,870, G deleted on the plus strand (C on the coding strand, the reverse complement: DYNC2I2 is on the minus strand); the first of 3 consecutive G bases (chr9:128,640,870-128,640,872); deleting any one gives the same sequence. VCF-style (leftmost placement, unchanged base first): chr9-128640869-TG-T. GRCh37 (hg19) VCF-style: chr9-131403148-TG-T.
Other names: short protein forms Q86fs.
Identifiers: ClinVar variation 2885703 (VCV002885703.3), dbSNP rs770506724, ClinGen allele CA5266684.